The following is an entry in ClinVar:

NM_001034853.2(RPGR):c.2023G>T (p.Glu675Ter)

Gene: RPGR (retinitis pigmentosa GTPase regulator; minus strand). Cytogenetic location: Xp11.4.
Variant type: single nucleotide variant.
Coding change: c.2023G>T on transcript NM_001034853.2 (MANE Select); coding-DNA position 2023, G replaced by T.
Protein change: p.Glu675Ter; replaces glutamic acid 675 with a stop codon.
Molecular consequence: nonsense. On other transcripts: intron variant (8).
Genome position (GRCh38, 1-based): chrX:38,286,976, C>A on the plus strand (G>T on the coding strand, the complement: RPGR is on the minus strand). VCF-style: chrX-38286976-C-A. GRCh37 (hg19) VCF-style: chrX-38146229-C-A.
Other names: NM_001034853.2(RPGR):c.2023G>T; p.Glu675Ter; c.1569+3983G>T (NM_001367249.1, NM_001367250.1); c.1902+118G>T (NM_001367245.1); c.1386+3983G>T (NM_001367251.1); c.1719+118G>T (NM_001367246.1); c.1572+3983G>T (NM_001367247.1); c.1905+118G>T (NM_000328.3); and 1 more; short protein forms E675*.
Identifiers: ClinVar variation 803968 (VCV000803968.3), dbSNP rs1601924184, ClinGen allele CA412731677.
Genomic context (GRCh38, chrX:38,286,976, plus strand): 5'-CCTTCTCTCCCTCTCCTGGCCTCTCCATTTCTCCTCTACCCTTGTCTTTCTCCCCCTTCT[C>A]CCTCTCCTCATCTTGCCAGTGTTCTGCTCCTGAACTACCTTCCTCACAGGTTCCATCCCC-3'

ClinVar aggregate classification (germline): Pathogenic. Review status: reviewed by expert panel (3 of 4 stars). 3 submissions from 3 submitters: Pathogenic (1). 2 of the submissions do not count toward it. Last evaluated 2026-11-20.

Conditions:
RPGR-related retinopathy. Also called: RPGR retinopathy. Identifiers: MedGen CN305589, MONDO:0100437.
Retinitis pigmentosa (RP). Identifiers: Orphanet 791, MedGen C0035334, MeSH D012174, MONDO:0019200, OMIM 268000. Inheritance: Autosomal dominant, autosomal recessive and X linked inheritance.

Submissions (3):

ClinGen X-linked Inherited Retinal Disease Variant Curation Expert Panel, ClinGen
Classification: Pathogenic for RPGR-related retinopathy. Last evaluated: 2026-11-20. Review status: reviewed by expert panel. Criteria: ClinGen X LinkedIRD ACMG Specifications RPGR V1.0.0. Collection method: curation. Allele origin: germline. Inheritance: X-linked inheritance.
Comment: The NM_001034853.2(RPGR):c.2023G>T variant is a nonsense variant that introduces a premature stop codon between amino acids 1-1132 that is predicted to either trigger nonsense-mediated decay or to disrupt a critical C-terminal region required for proper glutamylation of RPGR (PVS1, PMID: 36445968). This variant is absent from hemizygous individuals in gnomAD v4.1.2 (PM2_Supporting). At least one proband harboring this variant exhibits a phenotype including decreased or absent cone and/or rod ERG/FAF responses, family history consistent with X-linked inheritance (2 points), first decade onset (1 point), macular atrophy (1 point), a delayed or milder phenotype in females in the family (1 point), night blindness (0.5 points), optic nerve pallor (0.5 points), pigmentary retinopathy (0.5 points), visual field constrictions (0.5 points), and myopia (0.5 points), which together are specific for RPGR-related retinopathy (7.5 points, PMID: 25366773, PP4). The variant has been reported to segregate with retinal dystrophy through at least 2 affected meioses from 1 family (PMID: 25366773, PP1). In summary, this variant is classified as pathogenic for RPGR-related retinopathy based on the ACMG/AMP criteria applied, as specified by the ClinGen X-linked IRD VCEP: PVS1, PM2_Supporting, PP1, and PP4.

Mendelics
Classification: Pathogenic for Retinitis pigmentosa. Last evaluated: 2019-05-28. Review status: criteria provided, single submitter. Criteria: Mendelics Assertion Criteria 2017. Collection method: clinical testing. Allele origin: unknown. Not counted in ClinVar's aggregate classification.

Sharon lab, Hadassah-Hebrew University Medical Center
Classification: Pathogenic for Retinitis pigmentosa. Last evaluated: 2019-06-23. Review status: no assertion criteria provided. Collection method: research. Allele origin: inherited. Affected: yes. Not counted in ClinVar's aggregate classification.